The following is an entry in ClinVar:

ClinVar aggregate classification (germline): Pathogenic. Review status: criteria provided, multiple submitters, no conflicts (2 of 4 stars). 2 submissions from 2 submitters: Pathogenic (2). Last evaluated 2024-03-01.

Conditions:
Nemaline myopathy 2 (NEM2). Also called: Nemaline myopathy 2, autosomal recessive. Identifiers: MedGen C1850569, MONDO:0009725, OMIM 256030.
Nemaline myopathy. Also called: Myopathies, Nemaline. Identifiers: Orphanet 607, MedGen C0206157, MONDO:0018958.

Submissions (2):

Muscle and Diseases Team, Institut de Génétique et Biologie Moléculaire et Cellulaire
Classification: Pathogenic for Nemaline myopathy. Last evaluated: 2024-03-01. Review status: criteria provided, single submitter. Criteria: ACMG Guidelines, 2015. Collection method: research. Allele origin: unknown. Affected: yes. Observed: 1 variant allele.
Comment: PVS1+PM1+PM2+PM3+PP3+PP4

Labcorp Genetics (formerly Invitae), Labcorp
Classification: Pathogenic for Nemaline myopathy 2. Last evaluated: 2022-06-18. Review status: criteria provided, single submitter. Criteria: Invitae Variant Classification Sherloc (09022015). Collection method: clinical testing. Allele origin: germline.
Comment: For these reasons, this variant has been classified as Pathogenic. Algorithms developed to predict the effect of sequence changes on RNA splicing suggest that this variant may create or strengthen a splice site. ClinVar contains an entry for this variant (Variation ID: 939766). This variant has not been reported in the literature in individuals affected with NEB-related conditions. This variant is not present in population databases (gnomAD no frequency). This sequence change creates a premature translational stop signal (p.Asn336Valfs*7) in the NEB gene. It is expected to result in an absent or disrupted protein product. Loss-of-function variants in NEB are known to be pathogenic (PMID: 25205138).

Literature cited by the submitters: DOI 10.1186/s13073-024-01353-0 (cited by Muscle and Diseases Team, Institut de Génétique et Biologie Moléculaire et Cellulaire); PubMed 25205138 (cited by Labcorp Genetics (formerly Invitae), Labcorp).

NM_001164508.2(NEB):c.1006_1018del (p.Asn336fs)

Gene: NEB (nebulin; minus strand). Cytogenetic location: 2q23.3.
Variant type: Deletion.
Coding change: c.1006_1018del on transcript NM_001164508.2 (MANE Select); coding-DNA positions 1006 to 1018, 13 bases deleted (AATAAAAAAGCTG).
Protein change: p.Asn336fs; shifts the reading frame from asparagine 336.
Molecular consequence: frameshift variant.
Genome position (GRCh38, 1-based): chr2:151,709,673-151,709,685, CAGCTTTTTTATT deleted on the plus strand (AATAAAAAAGCTG on the coding strand, the reverse complement: NEB is on the minus strand); deleting any 13 consecutive bases within chr2:151,709,673-151,709,687 gives the same sequence; the c. name uses the placement nearest the transcript's 3' end. VCF-style (leftmost placement, unchanged base first): chr2-151709672-CCAGCTTTTTTATT-C. GRCh37 (hg19) VCF-style: chr2-152566186-CCAGCTTTTTTATT-C.
Other names: c.1006_1018del, p.Asn336fs (NM_001164507.2, NM_001271208.2, NM_004543.5); short protein forms N336fs.
Identifiers: ClinVar variation 939766 (VCV000939766.9), dbSNP rs2099738446, ClinGen allele CA1139657265.